The following is an entry in ClinVar:

NM_020928.2(ZSWIM6):c.3065C>T (p.Thr1022Met)

Gene: ZSWIM6 (zinc finger SWIM-type containing 6; plus strand). Cytogenetic location: 5q12.1.
Variant type: single nucleotide variant.
Coding change: c.3065C>T on transcript NM_020928.2 (MANE Select); coding-DNA position 3065, C replaced by T.
Protein change: p.Thr1022Met; replaces threonine 1022 with methionine.
Molecular consequence: missense variant.
Genome position (GRCh38, 1-based): chr5:61,543,734, C>T. VCF-style: chr5-61543734-C-T. GRCh37 (hg19) VCF-style: chr5-60839561-C-T.
Other names: c.3065C>T (NM_020928.1); short protein forms T1022M.
Identifiers: ClinVar variation 1435867 (VCV001435867.7), dbSNP rs760505023, ClinGen allele CA3278506.
Genomic context (GRCh38, chr5:61,543,734, plus strand): 5'-TTTGTGAAAAGGATCACATAGCTTTTGAGACGGCGTACCAAATTGTTCTCGACGCTGCTA[C>T]GACTGGCATGAGCTATACACAGCTCTTTACAATAGCACGGTACATGGAGCACCGCGGGTA-3'
Protein context (NP_065979.1, residues 1012-1032): TAYQIVLDAA[Thr1022Met]TGMSYTQLFT

ClinVar aggregate classification (germline): Conflicting classifications of pathogenicity. Review status: criteria provided, conflicting classifications (1 of 4 stars). 2 submissions from 2 submitters: Uncertain significance (1); Likely benign (1). Last evaluated 2025-12-13.

Conditions:
Inborn genetic diseases. Identifiers: MedGen C0950123, MeSH D030342.

Allele frequency attached by ClinVar (database versions not stated): gnomAD exomes 0.00003 and 0.00005; ExAC 0.00005; gnomAD 0.00007 and 0.00009; TOPMed 0.00011.
gnomAD v4.1: 57 of 1,551,620 alleles (0.0037%); highest among the groups gnomAD compares: African/African-American, 0.03%; no homozygotes.

Submissions (2):

Labcorp Genetics (formerly Invitae), Labcorp
Classification: Uncertain significance. Last evaluated: 2025-12-13. Review status: criteria provided, single submitter. Criteria: Invitae Variant Classification Sherloc (09022015). Collection method: clinical testing. Allele origin: germline.
Comment: This sequence change replaces threonine, which is neutral and polar, with methionine, which is neutral and non-polar, at codon 1022 of the ZSWIM6 protein (p.Thr1022Met). This variant is present in population databases (rs760505023, gnomAD 0.06%), and has an allele count higher than expected for a pathogenic variant. This variant has not been reported in the literature in individuals affected with ZSWIM6-related conditions. ClinVar contains an entry for this variant (Variation ID: 1435867). Invitae Evidence Modeling of protein sequence and biophysical properties (such as structural, functional, and spatial information, amino acid conservation, physicochemical variation, residue mobility, and thermodynamic stability) indicates that this missense variant is not expected to disrupt ZSWIM6 protein function with a negative predictive value of 80%. In summary, the available evidence is currently insufficient to determine the role of this variant in disease. Therefore, it has been classified as a Variant of Uncertain Significance.

Ambry Genetics
Classification: Likely benign for Inborn genetic diseases. Last evaluated: 2023-12-26. Review status: criteria provided, single submitter. Criteria: Ambry Variant Classification Scheme 2023. Collection method: clinical testing. Allele origin: germline.